The following is an entry in ClinVar:

NM_002294.3(LAMP2):c.183T>C (p.Tyr61=)

Gene: LAMP2 (lysosome associated membrane protein 2; minus strand). Cytogenetic location: Xq24.
Variant type: single nucleotide variant.
Coding change: c.183T>C on transcript NM_002294.3 (MANE Select); coding-DNA position 183, T replaced by C.
Protein change: p.Tyr61=; no amino-acid change (tyrosine 61 retained).
Molecular consequence: synonymous variant.
Genome position (GRCh38, 1-based): chrX:120,456,651, A>G on the plus strand (T>C on the coding strand, the complement: LAMP2 is on the minus strand). VCF-style: chrX-120456651-A-G. GRCh37 (hg19) VCF-style: chrX-119590506-A-G.
Other names: c.183T>C, p.Tyr61= (NM_001122606.1, NM_013995.2).
Identifiers: ClinVar variation 264545 (VCV000264545.11), dbSNP rs397516736, ClinGen allele CA10505343.
Genomic context (GRCh38, chrX:120,456,651, plus strand): 5'-GGATAAAGTCAATTAAATTCCTACTATAAAACTCAAAGAAAAATTAAAATATATACTTAC[A>G]TAAGTTTTATTTGTAGTTTCATAGCGTACTGTGAAATTCATCTGCCATTTTGCATAAAGG-3'
Protein context (NP_002285.1, residues 51-71): TVRYETTNKT[Tyr61=]KTVTISDHGT

ClinVar aggregate classification (germline): Conflicting classifications of pathogenicity. Review status: criteria provided, conflicting classifications (1 of 4 stars). 4 submissions from 4 submitters: Uncertain significance (1); Benign (1); Likely benign (2). Last evaluated 2023-10-10.

Conditions:
Cardiovascular phenotype. Identifiers: MedGen CN230736.
Danon disease. Also called: Glycogen Storage Disease Type IIb; ANTOPOL DISEASE; PSEUDOGLYCOGENOSIS II; GSD IIb; LYSOSOMAL GLYCOGEN STORAGE DISEASE WITHOUT ACID MALTASE DEFICIENCY. Identifiers: Orphanet 34587, MedGen C0878677, MONDO:0010281, OMIM 300257.

Allele frequency attached by ClinVar (database versions not stated): gnomAD exomes 0.00001 and 0.00002; TOPMed 0.00001; ExAC 0.00004.
gnomAD v4.1: 13 of 985,337 alleles (0.0013%); highest among the groups gnomAD compares: East Asian, 0.0062%; no homozygotes.

Submissions (4):

Ambry Genetics
Classification: Likely benign for Cardiovascular phenotype. Last evaluated: 2023-10-10. Review status: criteria provided, single submitter. Criteria: Ambry Variant Classification Scheme 2023. Collection method: clinical testing. Allele origin: germline.

Labcorp Genetics (formerly Invitae), Labcorp
Classification: Uncertain significance for Danon disease. Last evaluated: 2022-07-19. Review status: criteria provided, single submitter. Criteria: Invitae Variant Classification Sherloc (09022015). Collection method: clinical testing. Allele origin: germline.
Comment: This sequence change affects codon 61 of the LAMP2 mRNA. It is a 'silent' change, meaning that it does not change the encoded amino acid sequence of the LAMP2 protein. It affects a nucleotide within the consensus splice site. The frequency data for this variant in the population databases is considered unreliable, as metrics indicate poor data quality at this position in the gnomAD database. This variant has not been reported in the literature in individuals affected with LAMP2-related conditions. ClinVar contains an entry for this variant (Variation ID: 264545). Algorithms developed to predict the effect of sequence changes on RNA splicing suggest that this variant is not likely to affect RNA splicing. In summary, the available evidence is currently insufficient to determine the role of this variant in disease. Therefore, it has been classified as a Variant of Uncertain Significance.

Blueprint Genetics
Classification: Likely benign. Last evaluated: 2018-10-23. Review status: criteria provided, single submitter. Criteria: ACMG Guidelines, 2015. Collection method: clinical testing. Allele origin: germline.

GeneDx
Classification: Benign. Last evaluated: 2015-03-03. Review status: criteria provided, single submitter. Criteria: GeneDx Variant Classification Process June 2021. Collection method: clinical testing. Allele origin: germline. Affected: yes.